The following is an entry in ClinVar:

NM_000553.6(WRN):c.884_885delinsAT (p.Leu295His)

Gene: WRN (WRN RecQ like helicase; plus strand). Cytogenetic location: 8p12.
Variant type: Indel.
Coding change: c.884_885delinsAT on transcript NM_000553.6 (MANE Select); coding-DNA positions 884 to 885, TG replaced by AT.
Protein change: p.Leu295His; replaces leucine 295 with histidine.
Molecular consequence: missense variant.
Genome position (GRCh38, 1-based): chr8:31,080,911-31,080,912, TG replaced by AT. VCF-style: chr8-31080911-TG-AT. GRCh37 (hg19) VCF-style: chr8-30938427-TG-AT.
Other names: short protein forms L295H.
Identifiers: ClinVar variation 955112 (VCV000955112.5), dbSNP rs1813277416, ClinGen allele CA1139660428.
Genomic context (GRCh38, chr8:31,080,911, plus strand): 5'-TTAATTTTTTTTTTAGGGTTTCTATCTTACTAAAGGATATTTCAGAAAATCTATATTCAC[TG>AT]AGGAGGATGATAATTGGGTCTACTAACATTGAGACTGAACTGAGGCCCAGCAATAATTTA-3'
Protein context (NP_000544.2, residues 285-305): LKDISENLYS[Leu295His]RRMIIGSTNI

ClinVar aggregate classification (germline): Uncertain significance (1 of 4 stars; one submission).

Conditions:
Werner syndrome (WRN). Identifiers: Orphanet 902, MedGen C0043119, MONDO:0010196, OMIM 277700.

Submission:

Labcorp Genetics (formerly Invitae), Labcorp
Classification: Uncertain significance for Werner syndrome. Last evaluated: 2020-03-29. Review status: criteria provided, single submitter. Criteria: Invitae Variant Classification Sherloc (09022015). Collection method: clinical testing. Allele origin: germline.
Comment: Algorithms developed to predict the effect of missense changes on protein structure and function are either unavailable or do not agree on the potential impact of this missense change (SIFT: "Tolerated"; PolyPhen-2: "Probably Damaging"; Align-GVGD: "Class C0"). In summary, the available evidence is currently insufficient to determine the role of this variant in disease. Therefore, it has been classified as a Variant of Uncertain Significance. This variant has not been reported in the literature in individuals with WRN-related conditions. This variant is not present in population databases (ExAC no frequency). This sequence change replaces leucine with histidine at codon 295 of the WRN protein (p.Leu295His). The leucine residue is highly conserved and there is a moderate physicochemical difference between leucine and histidine.